The following is an entry in ClinVar:

NM_014855.3(AP5Z1):c.1319C>T (p.Ala440Val)

Gene: AP5Z1 (adaptor related protein complex 5 subunit zeta 1; plus strand). Cytogenetic location: 7p22.1.
Variant type: single nucleotide variant.
Coding change: c.1319C>T on transcript NM_014855.3 (MANE Select); coding-DNA position 1319, C replaced by T.
Protein change: p.Ala440Val; replaces alanine 440 with valine.
Molecular consequence: missense variant. On other transcripts: non-coding transcript variant (1).
Genome position (GRCh38, 1-based): chr7:4,787,641, C>T. VCF-style: chr7-4787641-C-T. GRCh37 (hg19) VCF-style: chr7-4827272-C-T.
Other names: c.851C>T, p.Ala284Val (NM_001364858.1); short protein forms A284V, A440V.
Identifiers: ClinVar variation 1310641 (VCV001310641.3), dbSNP rs909805784, ClinGen allele CA153029040.
Genomic context (GRCh38, chr7:4,787,641, plus strand): 5'-CCGCCTGCTCCACAGCTCCGAGCCGTGTCCGAACCGCTGTGCTGTGCCCACAGTTCCTGG[C>T]CTGGAACAGCCCACCCCTCACCTCCGAGTTTGTGGCGCTCCTCCCGGCCCTGGTGGACGC-3'
Protein context (NP_055670.1, residues 430-450): LSFPNLFKFL[Ala440Val]WNSPPLTSEF

ClinVar aggregate classification (germline): Uncertain significance. Review status: criteria provided, multiple submitters, no conflicts (2 of 4 stars). 2 submissions from 2 submitters: Uncertain significance (2). Last evaluated 2025-04-14.

Conditions:
Inborn genetic diseases. Identifiers: MedGen C0950123, MeSH D030342.

Allele frequency attached by ClinVar (database versions not stated): gnomAD 0.00002; gnomAD exomes 0.00002 and 0.00005; TOPMed 0.00003.
gnomAD v4.1: 75 of 1,552,016 alleles (0.0048%); highest among the groups gnomAD compares: Non-Finnish European, 0.0064%; no homozygotes.

Submissions (2):

Ambry Genetics
Classification: Uncertain significance for Inborn genetic diseases. Last evaluated: 2025-04-14. Review status: criteria provided, single submitter. Criteria: Ambry Variant Classification Scheme 2023. Collection method: clinical testing. Allele origin: germline.

GeneDx
Classification: Uncertain significance. Last evaluated: 2019-12-04. Review status: criteria provided, single submitter. Criteria: GeneDx Variant Classification Process June 2021. Collection method: clinical testing. Allele origin: germline. Affected: yes.
Comment: Not observed at a significant frequency in large population cohorts (Lek et al., 2016); In silico analysis, which includes protein predictors and evolutionary conservation, supports a deleterious effect; Has not been previously published as pathogenic or benign to our knowledge